The following is an entry in ClinVar:

ClinVar aggregate classification (germline): Uncertain significance. Review status: criteria provided, multiple submitters, no conflicts (2 of 4 stars). 2 submissions from 2 submitters: Uncertain significance (2). Last evaluated 2026-02-09.

Submissions (2):

GeneDx
Classification: Uncertain significance. Last evaluated: 2026-02-09. Review status: criteria provided, single submitter. Criteria: GeneDx Variant Classification Process June 2021. Collection method: clinical testing. Allele origin: germline.
Comment: Not observed at significant frequency in large population cohorts (gnomAD); Has not been previously published as pathogenic or benign to our knowledge; Nonsense variant predicted to result in protein truncation or nonsense mediated decay in a gene or region of a gene for which loss of function is not a known mechanism of disease

Labcorp Genetics (formerly Invitae), Labcorp
Classification: Uncertain significance. Last evaluated: 2022-07-01. Review status: criteria provided, single submitter. Criteria: Invitae Variant Classification Sherloc (09022015). Collection method: clinical testing. Allele origin: germline.
Comment: In summary, the available evidence is currently insufficient to determine the role of this variant in disease. Therefore, it has been classified as a Variant of Uncertain Significance. This variant has not been reported in the literature in individuals affected with MTOR-related conditions. This variant is not present in population databases (gnomAD no frequency). This sequence change creates a premature translational stop signal (p.Trp1269*) in the MTOR gene. It is expected to result in an absent or disrupted protein product. However, the current clinical and genetic evidence is not sufficient to establish whether loss-of-function variants in MTOR cause disease.

NM_004958.4(MTOR):c.3807G>A (p.Trp1269Ter)

Gene: MTOR (mechanistic target of rapamycin kinase; minus strand). Cytogenetic location: 1p36.22.
Variant type: single nucleotide variant.
Coding change: c.3807G>A on transcript NM_004958.4 (MANE Select); coding-DNA position 3807, G replaced by A.
Protein change: p.Trp1269Ter; replaces tryptophan 1269 with a stop codon.
Molecular consequence: nonsense.
Genome position (GRCh38, 1-based): chr1:11,204,698, C>T on the plus strand (G>A on the coding strand, the complement: MTOR is on the minus strand). VCF-style: chr1-11204698-C-T. GRCh37 (hg19) VCF-style: chr1-11264755-C-T.
Other names: c.3807G>A, p.Trp1269Ter (NM_001386500.1); c.2559G>A, p.Trp853Ter (NM_001386501.1); short protein forms W1269*, W853*.
Identifiers: ClinVar variation 2012265 (VCV002012265.5), dbSNP rs2523040845, ClinGen allele CA338394081.